The following is an entry in ClinVar:

NM_006267.5(RANBP2):c.4927T>G (p.Ser1643Ala)

Gene: RANBP2 (RAN binding protein 2; plus strand). Cytogenetic location: 2q13.
Variant type: single nucleotide variant.
Coding change: c.4927T>G on transcript NM_006267.5 (MANE Select); coding-DNA position 4927, T replaced by G.
Protein change: p.Ser1643Ala; replaces serine 1643 with alanine.
Molecular consequence: missense variant.
Genome position (GRCh38, 1-based): chr2:108,765,466, T>G. VCF-style: chr2-108765466-T-G. GRCh37 (hg19) VCF-style: chr2-109381922-T-G.
Other names: short protein forms S1643A.
Identifiers: ClinVar variation 1525877 (VCV001525877.9), dbSNP rs2149277367, ClinGen allele CA348069374.

ClinVar aggregate classification (germline): Uncertain significance (1 of 4 stars; one submission).

Conditions:
Familial acute necrotizing encephalopathy (IIAE3). Also called: ENCEPHALOPATHY, ACUTE, INFECTION-INDUCED, SUSCEPTIBILITY TO, 3; Susceptibility to Acute Necrotizing Encephalopathy 1. Identifiers: Orphanet 88619, MedGen C2675556, MONDO:0011953, OMIM 608033.

Submission:

Labcorp Genetics (formerly Invitae), Labcorp
Classification: Uncertain significance for Familial acute necrotizing encephalopathy. Last evaluated: 2020-11-06. Review status: criteria provided, single submitter. Criteria: Invitae Variant Classification Sherloc (09022015). Collection method: clinical testing. Allele origin: germline.
Comment: Algorithms developed to predict the effect of missense changes on protein structure and function are either unavailable or do not agree on the potential impact of this missense change (SIFT: "Deleterious"; PolyPhen-2: "Benign"; Align-GVGD: "Class C0"). This variant has not been reported in the literature in individuals with RANBP2-related conditions. This variant is not present in population databases (ExAC no frequency). This sequence change replaces serine with alanine at codon 1643 of the RANBP2 protein (p.Ser1643Ala). The serine residue is weakly conserved and there is a moderate physicochemical difference between serine and alanine. In summary, the available evidence is currently insufficient to determine the role of this variant in disease. Therefore, it has been classified as a Variant of Uncertain Significance.